The following is an entry in ClinVar:

ClinVar aggregate classification (germline): Uncertain significance (1 of 4 stars; one submission).

Conditions:
Hereditary sensory and autonomic neuropathy type 7. Also called: HSAN VII; Neuropathy, hereditary sensory and autonomic, type VII. Identifiers: Orphanet 391397, MedGen C3809882, MONDO:0014244, OMIM 615548.
Familial episodic pain syndrome with predominantly lower limb involvement. Also called: Episodic pain syndrome, familial, 3. Identifiers: Orphanet 391384, Orphanet 391392, MedGen C3809899, MONDO:0014247, OMIM 615552.

Allele frequency attached by ClinVar (database versions not stated): gnomAD exomes below 0.00001; ExAC 0.00001; gnomAD 0.00001; TOPMed 0.00001; 1000 Genomes Project 30x 0.00016; 1000 Genomes Project 0.00020.
gnomAD v4.1: 4 of 1,614,106 alleles (0.00025%); highest among the groups gnomAD compares: Admixed American, 0.0067%; no homozygotes.

Submission:

Labcorp Genetics (formerly Invitae), Labcorp
Classification: Uncertain significance for Familial episodic pain syndrome with predominantly lower limb involvement; Hereditary sensory and autonomic neuropathy type 7. Last evaluated: 2024-09-17. Review status: criteria provided, single submitter. Criteria: Invitae Variant Classification Sherloc (09022015). Collection method: clinical testing. Allele origin: germline.
Comment: This sequence change creates a premature translational stop signal (p.Gln1771*) in the SCN11A gene. While this is not anticipated to result in nonsense mediated decay, it is expected to disrupt the last 21 amino acid(s) of the SCN11A protein. This variant is present in population databases (rs552852063, gnomAD 0.003%). This variant has not been reported in the literature in individuals affected with SCN11A-related conditions. ClinVar contains an entry for this variant (Variation ID: 2142189). Experimental studies and prediction algorithms are not available or were not evaluated, and the functional significance of this variant is currently unknown. In summary, the available evidence is currently insufficient to determine the role of this variant in disease. Therefore, it has been classified as a Variant of Uncertain Significance.

NM_001349253.2(SCN11A):c.5311C>T (p.Gln1771Ter)

Gene: SCN11A (sodium voltage-gated channel alpha subunit 11; minus strand). Cytogenetic location: 3p22.2.
Variant type: single nucleotide variant.
Coding change: c.5311C>T on transcript NM_001349253.2 (MANE Select); coding-DNA position 5311, C replaced by T.
Protein change: p.Gln1771Ter; replaces glutamine 1771 with a stop codon.
Molecular consequence: nonsense.
Genome position (GRCh38, 1-based): chr3:38,846,759, G>A on the plus strand (C>T on the coding strand, the complement: SCN11A is on the minus strand). VCF-style: chr3-38846759-G-A. GRCh37 (hg19) VCF-style: chr3-38888250-G-A.
Other names: c.5311C>T, p.Gln1771Ter (NM_014139.3); short protein forms Q1771*.
Identifiers: ClinVar variation 2142189 (VCV002142189.4), dbSNP rs552852063, ClinGen allele CA2321352.
Genomic context (GRCh38, chr3:38,846,759, plus strand): 5'-CACAGTGGACCTTGCCCTTGGCCACCCCAAAGCTAGACAAGTCTCCATTGCAAAGAGTCT[G>A]GAGTGGTGAATGAGGCCCGTTTTCCAAGTCATTTTGGTCACCTTGGTCACCCTTGGTCAC-3'